The following is an entry in ClinVar:

NM_001278512.2(AP3B2):c.2503C>T (p.Pro835Ser)

Genes: AP3B2 (adaptor related protein complex 3 subunit beta 2; minus strand), CPEB1-AS1 (CPEB1 antisense RNA 1; plus strand), LOC113939947 (Sharpr-MPRA regulatory region 5793; plus strand). Cytogenetic location: 15q25.2.
Variant type: single nucleotide variant.
Coding change: c.2503C>T on transcript NM_001278512.2 (MANE Select); coding-DNA position 2503, C replaced by T.
Protein change: p.Pro835Ser; replaces proline 835 with serine.
Molecular consequence: missense variant.
Genome position (GRCh38, 1-based): chr15:82,663,228, G>A on the plus strand (C>T on the coding strand, the complement: AP3B2 is on the minus strand). VCF-style: chr15-82663228-G-A. GRCh37 (hg19) VCF-style: chr15-83331980-G-A.
Other names: c.2350C>T, p.Pro784Ser (NM_001278511.2); c.2446C>T, p.Pro816Ser (NM_004644.5); c.2446C>T (NM_004644.3); short protein forms P835S, P816S, P784S.
Identifiers: ClinVar variation 1371875 (VCV001371875.4), dbSNP rs372570606, ClinGen allele CA7699873.

ClinVar aggregate classification (germline): Uncertain significance. Review status: criteria provided, multiple submitters, no conflicts (2 of 4 stars). 2 submissions from 2 submitters: Uncertain significance (2). Last evaluated 2023-12-09.

Conditions:
Inborn genetic diseases. Identifiers: MedGen C0950123, MeSH D030342.

Allele frequency attached by ClinVar (database versions not stated): gnomAD exomes 0.00004; ExAC 0.00005; ESP Exome Variant Server 0.00008; gnomAD 0.00010; 1000 Genomes Project 30x 0.00016.

Submissions (2):

Ambry Genetics
Classification: Uncertain significance for Inborn genetic diseases. Last evaluated: 2023-12-09. Review status: criteria provided, single submitter. Criteria: Ambry Variant Classification Scheme 2023. Collection method: clinical testing. Allele origin: germline.

Labcorp Genetics (formerly Invitae), Labcorp
Classification: Uncertain significance. Last evaluated: 2022-07-19. Review status: criteria provided, single submitter. Criteria: Invitae Variant Classification Sherloc (09022015). Collection method: clinical testing. Allele origin: germline.
Comment: This sequence change replaces proline, which is neutral and non-polar, with serine, which is neutral and polar, at codon 816 of the AP3B2 protein (p.Pro816Ser). This variant is present in population databases (rs372570606, gnomAD 0.02%). This variant has not been reported in the literature in individuals affected with AP3B2-related conditions. ClinVar contains an entry for this variant (Variation ID: 1371875). Algorithms developed to predict the effect of missense changes on protein structure and function output the following: SIFT: "Tolerated"; PolyPhen-2: "Not Available"; Align-GVGD: "Class C0". The serine amino acid residue is found in multiple mammalian species, which suggests that this missense change does not adversely affect protein function. In summary, the available evidence is currently insufficient to determine the role of this variant in disease. Therefore, it has been classified as a Variant of Uncertain Significance.